The following is an entry in ClinVar:

NM_017617.5(NOTCH1):c.4855TAC[1] (p.Tyr1620del)

Gene: NOTCH1 (notch receptor 1; minus strand). Cytogenetic location: 9q34.3.
Variant type: Microsatellite.
Coding change: c.4855TAC[1] on transcript NM_017617.5 (MANE Select); one copy of the 3-base unit TAC starting at c.4855; the reference has two copies in a row; one copy, 3 bases deleted.
Protein change: p.Tyr1620del; deletes tyrosine 1620.
Molecular consequence: inframe deletion.
Genome position (GRCh38, 1-based): chr9:136,504,831-136,504,833, GTA deleted on the plus strand (TAC on the coding strand, the reverse complement: NOTCH1 is on the minus strand); deleting any 3 consecutive bases within chr9:136,504,831-136,504,837 gives the same sequence; the position shown is the placement nearest the transcript's 3' end. VCF-style (leftmost placement, unchanged base first): chr9-136504830-CGTA-C. GRCh37 (hg19) VCF-style: chr9-139399282-CGTA-C.
Other names: short protein forms Y1620del.
Identifiers: ClinVar variation 2785657 (VCV002785657.3), dbSNP rs2540435231, ClinGen allele CA2739264828.

ClinVar aggregate classification (germline): Uncertain significance (1 of 4 stars; one submission).

Conditions:
Adams-Oliver syndrome 5 (AOS5). Identifiers: Orphanet 974, MedGen C4014970, MONDO:0014459, OMIM 616028.

Submission:

Labcorp Genetics (formerly Invitae), Labcorp
Classification: Uncertain significance for Adams-Oliver syndrome 5. Last evaluated: 2023-01-08. Review status: criteria provided, single submitter. Criteria: Invitae Variant Classification Sherloc (09022015). Collection method: clinical testing. Allele origin: germline.
Comment: In summary, the available evidence is currently insufficient to determine the role of this variant in disease. Therefore, it has been classified as a Variant of Uncertain Significance. Experimental studies and prediction algorithms are not available or were not evaluated, and the functional significance of this variant is currently unknown. This variant has not been reported in the literature in individuals affected with NOTCH1-related conditions. This variant is not present in population databases (gnomAD no frequency). This variant, c.4858_4860del, results in the deletion of 1 amino acid(s) of the NOTCH1 protein (p.Tyr1620del), but otherwise preserves the integrity of the reading frame.